The following is an entry in ClinVar:

NM_000475.5(NR0B1):c.715T>C (p.Ser239Pro)

Gene: NR0B1 (nuclear receptor subfamily 0 group B member 1; minus strand). Cytogenetic location: Xp21.2.
Variant type: single nucleotide variant.
Coding change: c.715T>C on transcript NM_000475.5 (MANE Select); coding-DNA position 715, T replaced by C.
Protein change: p.Ser239Pro; replaces serine 239 with proline.
Molecular consequence: missense variant.
Genome position (GRCh38, 1-based): chrX:30,308,649, A>G on the plus strand (T>C on the coding strand, the complement: NR0B1 is on the minus strand). VCF-style: chrX-30308649-A-G. GRCh37 (hg19) VCF-style: chrX-30326766-A-G.
Other names: short protein forms S239P.
Identifiers: ClinVar variation 4793696 (VCV004793696.1).

ClinVar aggregate classification (germline): Uncertain significance (1 of 4 stars; one submission).

Conditions:
Congenital adrenal hypoplasia, X-linked (AHC). Also called: Isolated X-Linked Adrenal Hypoplasia Congenita; X-linked AHC; X-Linked Adrenal Hypoplasia Congenita; ADRENAL HYPOPLASIA, CONGENITAL, WITH HYPOGONADOTROPIC HYPOGONADISM. Identifiers: Orphanet 95702, MedGen C0342482, MONDO:0010264, OMIM 300200. Disease mechanism: loss of function.
46,XY sex reversal 2. Also called: NR0B1-Related 46,XY CGD; NR0B1-related 46,XY complete gonadal dysgenesis; Dosage-sensitive sex reversal; 46,XY SEX REVERSAL, DAX1-RELATED; 46XY sex reversal 2, dosage-sensitive. Identifiers: MedGen C1848296, MONDO:0010226, OMIM 300018.

Submission:

Labcorp Genetics (formerly Invitae), Labcorp
Classification: Uncertain significance for Congenital adrenal hypoplasia, X-linked; 46,XY sex reversal 2. Last evaluated: 2025-04-04. Review status: criteria provided, single submitter. Criteria: Invitae Variant Classification Sherloc (09022015). Collection method: clinical testing. Allele origin: germline.
Comment: This sequence change replaces serine, which is neutral and polar, with proline, which is neutral and non-polar, at codon 239 of the NR0B1 protein (p.Ser239Pro). This variant is not present in population databases (gnomAD no frequency). This variant has not been reported in the literature in individuals affected with NR0B1-related conditions. An algorithm developed to predict the effect of missense changes on protein structure and function outputs the following: PolyPhen-2: "Benign". The proline amino acid residue is found in multiple mammalian species, which suggests that this missense change does not adversely affect protein function. In summary, the available evidence is currently insufficient to determine the role of this variant in disease. Therefore, it has been classified as a Variant of Uncertain Significance.